The following is an entry in ClinVar:

ClinVar aggregate classification (germline): Uncertain significance (1 of 4 stars; one submission).

Submission:

Labcorp Genetics (formerly Invitae), Labcorp
Classification: Uncertain significance. Last evaluated: 2021-08-28. Review status: criteria provided, single submitter. Criteria: Invitae Variant Classification Sherloc (09022015). Collection method: clinical testing. Allele origin: germline.
Comment: In summary, the available evidence is currently insufficient to determine the role of this variant in disease. Therefore, it has been classified as a Variant of Uncertain Significance. Algorithms developed to predict the effect of missense changes on protein structure and function output the following: SIFT: "Deleterious"; PolyPhen-2: "Benign"; Align-GVGD: "Class C0". The serine amino acid residue is found in multiple mammalian species, which suggests that this missense change does not adversely affect protein function. This variant has not been reported in the literature in individuals affected with KMT2C-related conditions. This variant is not present in population databases (ExAC no frequency). This sequence change replaces proline with serine at codon 2221 of the KMT2C protein (p.Pro2221Ser). The proline residue is moderately conserved and there is a moderate physicochemical difference between proline and serine.

NM_170606.3(KMT2C):c.6661C>T (p.Pro2221Ser)

Gene: KMT2C (lysine methyltransferase 2C; minus strand). Cytogenetic location: 7q36.1.
Variant type: single nucleotide variant.
Coding change: c.6661C>T on transcript NM_170606.3 (MANE Select); coding-DNA position 6661, C replaced by T.
Protein change: p.Pro2221Ser; replaces proline 2221 with serine.
Molecular consequence: missense variant.
Genome position (GRCh38, 1-based): chr7:152,181,199, G>A on the plus strand (C>T on the coding strand, the complement: KMT2C is on the minus strand). VCF-style: chr7-152181199-G-A. GRCh37 (hg19) VCF-style: chr7-151878284-G-A.
Other names: short protein forms P2221S.
Identifiers: ClinVar variation 1413910 (VCV001413910.6), dbSNP rs2129119735, ClinGen allele CA370092356.